The following is an entry in ClinVar:

ClinVar aggregate classification (germline): Uncertain significance (1 of 4 stars; one submission).

Submission:

Labcorp Genetics (formerly Invitae), Labcorp
Classification: Uncertain significance. Last evaluated: 2025-10-13. Review status: criteria provided, single submitter. Criteria: Invitae Variant Classification Sherloc (09022015). Collection method: clinical testing. Allele origin: germline.
Comment: This sequence change replaces lysine, which is basic and polar, with asparagine, which is neutral and polar, at codon 4400 of the LRP2 protein (p.Lys4400Asn). This variant is not present in population databases (gnomAD no frequency). This variant has not been reported in the literature in individuals affected with LRP2-related conditions. ClinVar contains an entry for this variant (Variation ID: 1523739). An algorithm developed to predict the effect of missense changes on protein structure and function (PolyPhen-2) suggests that this variant is likely to be disruptive. In summary, the available evidence is currently insufficient to determine the role of this variant in disease. Therefore, it has been classified as a Variant of Uncertain Significance.

NM_004525.3(LRP2):c.13200G>C (p.Lys4400Asn)

Gene: LRP2 (LDL receptor related protein 2; minus strand). Cytogenetic location: 2q31.1.
Variant type: single nucleotide variant.
Coding change: c.13200G>C on transcript NM_004525.3 (MANE Select); coding-DNA position 13200, G replaced by C.
Protein change: p.Lys4400Asn; replaces lysine 4400 with asparagine.
Molecular consequence: missense variant.
Genome position (GRCh38, 1-based): chr2:169,139,610, C>G on the plus strand (G>C on the coding strand, the complement: LRP2 is on the minus strand). VCF-style: chr2-169139610-C-G. GRCh37 (hg19) VCF-style: chr2-169996120-C-G.
Other names: short protein forms K4400N.
Identifiers: ClinVar variation 1523739 (VCV001523739.8), dbSNP rs970072464, ClinGen allele CA349157508.
Genomic context (GRCh38, chr2:169,139,610, plus strand): 5'-TGGAGAGATGCCTTTTGAAAACGCCATTTCACAATATTTTCCGGTGTAGCCGCTAGGACA[C>G]CTGAAAGGAAAAAGCAAATCATTCACTAGCTGTTATGTTCTTAGGCTTCTACTGCATTTT-3'
Protein context (NP_004516.2, residues 4390-4410): YFDETDLPKC[Lys4400Asn]CPSGYTGKYC